The following is an entry in ClinVar:

NM_006739.4(MCM5):c.672C>G (p.Phe224Leu)

Gene: MCM5 (minichromosome maintenance complex component 5; plus strand). Cytogenetic location: 22q12.3.
Variant type: single nucleotide variant.
Coding change: c.672C>G on transcript NM_006739.4 (MANE Select); coding-DNA position 672, C replaced by G.
Protein change: p.Phe224Leu; replaces phenylalanine 224 with leucine.
Molecular consequence: missense variant.
Genome position (GRCh38, 1-based): chr22:35,408,483, C>G. VCF-style: chr22-35408483-C-G. GRCh37 (hg19) VCF-style: chr22-35804476-C-G.
Other names: short protein forms F224L.
Identifiers: ClinVar variation 2071016 (VCV002071016.4), dbSNP rs1300636544, ClinGen allele CA411362996.

ClinVar aggregate classification (germline): Uncertain significance (1 of 4 stars; one submission).

Allele frequency attached by ClinVar (database versions not stated): gnomAD 0.00002; gnomAD exomes 0.00001; TOPMed 0.00002.
gnomAD v4.1: 14 of 1,614,108 alleles (0.00087%); highest among the groups gnomAD compares: Non-Finnish European, 0.0012%; no homozygotes.

Submission:

Labcorp Genetics (formerly Invitae), Labcorp
Classification: Uncertain significance. Last evaluated: 2022-07-11. Review status: criteria provided, single submitter. Criteria: Invitae Variant Classification Sherloc (09022015). Collection method: clinical testing. Allele origin: germline.
Comment: This sequence change replaces phenylalanine, which is neutral and non-polar, with leucine, which is neutral and non-polar, at codon 224 of the MCM5 protein (p.Phe224Leu). This variant is present in population databases (no rsID available, gnomAD 0.007%). This variant has not been reported in the literature in individuals affected with MCM5-related conditions. Algorithms developed to predict the effect of missense changes on protein structure and function are either unavailable or do not agree on the potential impact of this missense change (SIFT: "Tolerated"; PolyPhen-2: "Possibly Damaging"; Align-GVGD: "Class C0"). In summary, the available evidence is currently insufficient to determine the role of this variant in disease. Therefore, it has been classified as a Variant of Uncertain Significance.